The following is an entry in ClinVar:

NM_022455.5(NSD1):c.2474C>G (p.Ala825Gly)

Gene: NSD1 (nuclear receptor binding SET domain protein 1; plus strand). Cytogenetic location: 5q35.3.
Variant type: single nucleotide variant.
Coding change: c.2474C>G on transcript NM_022455.5 (MANE Select); coding-DNA position 2474, C replaced by G.
Protein change: p.Ala825Gly; replaces alanine 825 with glycine.
Molecular consequence: missense variant.
Genome position (GRCh38, 1-based): chr5:177,210,873, C>G. VCF-style: chr5-177210873-C-G. GRCh37 (hg19) VCF-style: chr5-176637874-C-G.
Other names: c.1601C>G, p.Ala534Gly (NM_001409309.1, NM_172349.5, NM_001409306.1 and 3 more transcripts); c.2474C>G, p.Ala825Gly (NM_001409301.1, NM_001409302.1, NM_001409303.1); c.2054C>G, p.Ala685Gly (NM_001409304.1); c.1721C>G, p.Ala574Gly (NM_001409305.1); short protein forms A574G, A825G, A534G, A685G.
Identifiers: ClinVar variation 3719166 (VCV003719166.2).

ClinVar aggregate classification (germline): Uncertain significance (1 of 4 stars; one submission).

Submission:

Labcorp Genetics (formerly Invitae), Labcorp
Classification: Uncertain significance. Last evaluated: 2023-04-07. Review status: criteria provided, single submitter. Criteria: Invitae Variant Classification Sherloc (09022015). Collection method: clinical testing. Allele origin: germline.
Comment: In summary, the available evidence is currently insufficient to determine the role of this variant in disease. Therefore, it has been classified as a Variant of Uncertain Significance. Advanced modeling of protein sequence and biophysical properties (such as structural, functional, and spatial information, amino acid conservation, physicochemical variation, residue mobility, and thermodynamic stability) performed at Invitae indicates that this missense variant is not expected to disrupt NSD1 protein function. This variant has not been reported in the literature in individuals affected with NSD1-related conditions. This variant is not present in population databases (gnomAD no frequency). This sequence change replaces alanine, which is neutral and non-polar, with glycine, which is neutral and non-polar, at codon 825 of the NSD1 protein (p.Ala825Gly).